The following is an entry in ClinVar:

NM_004360.5(CDH1):c.443G>C (p.Gly148Ala)

Gene: CDH1 (cadherin 1; plus strand). Cytogenetic location: 16q22.1.
Variant type: single nucleotide variant.
Coding change: c.443G>C on transcript NM_004360.5 (MANE Select); coding-DNA position 443, G replaced by C.
Protein change: p.Gly148Ala; replaces glycine 148 with alanine.
Molecular consequence: missense variant. On other transcripts: 5 prime UTR variant (2).
Genome position (GRCh38, 1-based): chr16:68,808,479, G>C. VCF-style: chr16-68808479-G-C. GRCh37 (hg19) VCF-style: chr16-68842382-G-C.
Other names: c.443G>C, p.Gly148Ala (NM_001317184.2); c.-1173G>C (NM_001317185.2); c.-1377G>C (NM_001317186.2); short protein forms G148A.
Identifiers: ClinVar variation 1063786 (VCV001063786.9), dbSNP rs1960726961, ClinGen allele CA396457628.
Genomic context (GRCh38, chr16:68,808,479, plus strand): 5'-TTTAGGCCTCCGTTTCTGGAATCCAAGCAGAATTGCTCACATTTCCCAACTCCTCTCCTG[G>C]CCTCAGAAGACAGAAGAGAGACTGGGTTATTCCTCCCATCAGCTGCCCAGAAAATGAAAA-3'
Protein context (NP_004351.1, residues 138-158): ELLTFPNSSP[Gly148Ala]LRRQKRDWVI

ClinVar aggregate classification (germline): Uncertain significance. Review status: criteria provided, multiple submitters, no conflicts (2 of 4 stars). 2 submissions from 2 submitters: Uncertain significance (2). Last evaluated 2025-12-15.

Conditions:
Hereditary diffuse gastric adenocarcinoma (HDGC). Also called: DIFFUSE GASTRIC AND LOBULAR BREAST CANCER SYNDROME. Identifiers: Orphanet 26106, MedGen C1708349, MONDO:0007648, OMIM 137215.
Hereditary cancer-predisposing syndrome. Also called: Tumor predisposition; Neoplastic Syndromes, Hereditary; Hereditary Cancer Syndrome; Hereditary neoplastic syndrome. Identifiers: Orphanet 140162, MedGen C0027672, MeSH D009386, MONDO:0015356.

Allele frequency attached by ClinVar (database versions not stated): gnomAD exomes below 0.00001.
gnomAD v4.1: 3 of 1,613,924 alleles (0.00019%); highest among the groups gnomAD compares: Non-Finnish European, 0.00025%; no homozygotes.

Submissions (2):

Labcorp Genetics (formerly Invitae), Labcorp
Classification: Uncertain significance for Hereditary diffuse gastric adenocarcinoma. Last evaluated: 2025-12-15. Review status: criteria provided, single submitter. Criteria: Invitae Variant Classification Sherloc (09022015). Collection method: clinical testing. Allele origin: germline.
Comment: This sequence change replaces glycine, which is neutral and non-polar, with alanine, which is neutral and non-polar, at codon 148 of the CDH1 protein (p.Gly148Ala). This variant is not present in population databases (gnomAD no frequency). This variant has not been reported in the literature in individuals affected with CDH1-related conditions. ClinVar contains an entry for this variant (Variation ID: 1063786). An algorithm developed to predict the effect of missense changes on protein structure and function (PolyPhen-2) suggests that this variant is likely to be tolerated. In summary, the available evidence is currently insufficient to determine the role of this variant in disease. Therefore, it has been classified as a Variant of Uncertain Significance.

Color Diagnostics, LLC DBA Color Health
Classification: Uncertain significance for Hereditary cancer-predisposing syndrome. Last evaluated: 2023-12-04. Review status: criteria provided, single submitter. Criteria: ACMG Guidelines, 2015. Collection method: clinical testing. Allele origin: germline.
Comment: This missense variant replaces glycine with alanine at codon 148 of the CDH1 protein. To our knowledge, functional studies have not been reported for this variant. This variant has not been reported in individuals affected with CDH1-related disorders in the literature. This variant has not been identified in the general population by the Genome Aggregation Database (gnomAD). The available evidence is insufficient to determine the role of this variant in disease conclusively. Therefore, this variant is classified as a Variant of Uncertain Significance.